The following is an entry in ClinVar:

ClinVar aggregate classification (germline): Uncertain significance (1 of 4 stars; one submission).

Conditions:
Short-rib thoracic dysplasia 14 with polydactyly (SRTD14). Identifiers: Orphanet 397715, MedGen C4225286, MONDO:0014688, OMIM 616546.
Joubert syndrome 23 (JBTS23). Identifiers: Orphanet 475, MedGen C4084822, MONDO:0014664, OMIM 616490.

Allele frequency attached by ClinVar (database versions not stated): TOPMed below 0.00001; gnomAD 0.00003.
gnomAD v4.1: 6 of 1,597,806 alleles (0.00038%); highest among the groups gnomAD compares: African/African-American, 0.008%; no homozygotes.

Submission:

Labcorp Genetics (formerly Invitae), Labcorp
Classification: Uncertain significance for Joubert syndrome 23; Short-rib thoracic dysplasia 14 with polydactyly. Last evaluated: 2025-04-30. Review status: criteria provided, single submitter. Criteria: Invitae Variant Classification Sherloc (09022015). Collection method: clinical testing. Allele origin: germline.
Comment: This sequence change replaces proline, which is neutral and non-polar, with glutamine, which is neutral and polar, at codon 1455 of the KIAA0586 protein (p.Pro1455Gln). The frequency data for this variant in the population databases is considered unreliable, as metrics indicate poor data quality at this position in the gnomAD database. This variant has not been reported in the literature in individuals affected with KIAA0586-related conditions. ClinVar contains an entry for this variant (Variation ID: 2161332). Invitae Evidence Modeling of protein sequence and biophysical properties (such as structural, functional, and spatial information, amino acid conservation, physicochemical variation, residue mobility, and thermodynamic stability) indicates that this missense variant is expected to disrupt KIAA0586 protein function with a positive predictive value of 80%. In summary, the available evidence is currently insufficient to determine the role of this variant in disease. Therefore, it has been classified as a Variant of Uncertain Significance.

NM_001329943.3(KIAA0586):c.4205C>A (p.Pro1402Gln)

Gene: KIAA0586 (KIAA0586; plus strand). Cytogenetic location: 14q23.1.
Variant type: single nucleotide variant.
Coding change: c.4205C>A on transcript NM_001329943.3 (MANE Select); coding-DNA position 4205, C replaced by A.
Protein change: p.Pro1402Gln; replaces proline 1402 with glutamine.
Molecular consequence: missense variant.
Genome position (GRCh38, 1-based): chr14:58,508,591, C>A. VCF-style: chr14-58508591-C-A. GRCh37 (hg19) VCF-style: chr14-58975309-C-A.
Other names: c.4364C>A, p.Pro1455Gln (NM_001244189.2); c.4160C>A, p.Pro1387Gln (NM_001244190.2); c.3950C>A, p.Pro1317Gln (NM_001244191.2, NM_001329945.2, NM_001364700.1 and 1 more transcripts); c.4073C>A, p.Pro1358Gln (NM_001244192.2, NM_001329947.2); c.3785C>A, p.Pro1262Gln (NM_001244193.2); c.4205C>A, p.Pro1402Gln (NM_001329944.2, NM_001329946.2); c.3977C>A, p.Pro1326Gln (NM_014749.5); short protein forms P1387Q, P1402Q, P1455Q, P1262Q, P1317Q, P1326Q, P1358Q.
Identifiers: ClinVar variation 2161332 (VCV002161332.4), dbSNP rs1192275891, ClinGen allele CA390057743.